The following is an entry in ClinVar:

ClinVar aggregate classification (germline): Uncertain significance (1 of 4 stars; one submission).

gnomAD v4.1: 1 of 1,612,618 alleles (0.000062%); highest among the groups gnomAD compares: Non-Finnish European, 0.000085%; no homozygotes.

Submission:

GeneDx
Classification: Uncertain significance. Last evaluated: 2025-01-22. Review status: criteria provided, single submitter. Criteria: GeneDx Variant Classification Process June 2021. Collection method: clinical testing. Allele origin: germline. Affected: yes.
Comment: Not observed at significant frequency in large population cohorts (gnomAD); In silico analysis supports that this missense variant has a deleterious effect on protein structure/function; Has not been previously published as pathogenic or benign to our knowledge

NM_020987.5(ANK3):c.3821C>T (p.Ser1274Phe)

Gene: ANK3 (ankyrin 3; minus strand). Cytogenetic location: 10q21.2.
Variant type: single nucleotide variant.
Coding change: c.3821C>T on transcript NM_020987.5 (MANE Select); coding-DNA position 3821, C replaced by T.
Protein change: p.Ser1274Phe; replaces serine 1274 with phenylalanine.
Molecular consequence: missense variant.
Genome position (GRCh38, 1-based): chr10:60,085,181, G>A on the plus strand (C>T on the coding strand, the complement: ANK3 is on the minus strand). VCF-style: chr10-60085181-G-A. GRCh37 (hg19) VCF-style: chr10-61844939-G-A.
Other names: c.1223C>T, p.Ser408Phe (NM_001149.4); c.3803C>T, p.Ser1268Phe (NM_001204403.2); c.3824C>T, p.Ser1275Phe (NM_001204404.2); c.3821C>T, p.Ser1274Phe (NM_001320874.2); short protein forms S1268F, S1274F, S1275F, S408F.
Identifiers: ClinVar variation 4071645 (VCV004071645.1).